The following is an entry in ClinVar:

ClinVar aggregate classification (germline): Uncertain significance. Review status: criteria provided, multiple submitters, no conflicts (2 of 4 stars). 2 submissions from 2 submitters: Uncertain significance (2). Last evaluated 2025-11-26.

Conditions:
Familial sleep-related hypermotor epilepsy. Also called: Autosomal Dominant Sleep-Related Hypermotor (Hyperkinetic) Epilepsy. Identifiers: Orphanet 98784, MedGen C3696898, MONDO:0000030.

Submissions (2):

Labcorp Genetics (formerly Invitae), Labcorp
Classification: Uncertain significance. Last evaluated: 2025-11-26. Review status: criteria provided, single submitter. Criteria: Invitae Variant Classification Sherloc (09022015). Collection method: clinical testing. Allele origin: germline.
Comment: This sequence change replaces threonine, which is neutral and polar, with isoleucine, which is neutral and non-polar, at codon 234 of the CHRNA4 protein (p.Thr234Ile). This variant is not present in population databases (gnomAD no frequency). This variant has not been reported in the literature in individuals affected with CHRNA4-related conditions. Invitae Evidence Modeling of protein sequence and biophysical properties (such as structural, functional, and spatial information, amino acid conservation, physicochemical variation, residue mobility, and thermodynamic stability) indicates that this missense variant is expected to disrupt CHRNA4 protein function with a positive predictive value of 80%. In summary, the available evidence is currently insufficient to determine the role of this variant in disease. Therefore, it has been classified as a Variant of Uncertain Significance.

GeneDx
Classification: Uncertain significance. Last evaluated: 2025-05-20. Review status: criteria provided, single submitter. Criteria: GeneDx Variant Classification Process June 2021. Collection method: clinical testing. Allele origin: germline. Affected: yes.
Comment: Not observed at significant frequency in large population cohorts (gnomAD); In silico analysis supports that this missense variant has a deleterious effect on protein structure/function; Has not been previously published as pathogenic or benign to our knowledge

NM_000744.7(CHRNA4):c.701C>T (p.Thr234Ile)

Gene: CHRNA4 (cholinergic receptor nicotinic alpha 4 subunit; minus strand). Cytogenetic location: 20q13.33.
Variant type: single nucleotide variant.
Coding change: c.701C>T on transcript NM_000744.7 (MANE Select); coding-DNA position 701, C replaced by T.
Protein change: p.Thr234Ile; replaces threonine 234 with isoleucine.
Molecular consequence: missense variant. On other transcripts: non-coding transcript variant (1).
Genome position (GRCh38, 1-based): chr20:63,350,710, G>A on the plus strand (C>T on the coding strand, the complement: CHRNA4 is on the minus strand). VCF-style: chr20-63350710-G-A. GRCh37 (hg19) VCF-style: chr20-61982062-G-A.
Other names: c.173C>T, p.Thr58Ile (NM_001256573.2); short protein forms T234I, T58I.
Identifiers: ClinVar variation 4530937 (VCV004530937.2).